The following is an entry in ClinVar:

ClinVar aggregate classification (germline): Likely benign (1 of 4 stars; one submission).

Conditions:
Hypertrophic cardiomyopathy 10. Also called: CARDIOMYOPATHY, HYPERTROPHIC, MID-LEFT VENTRICULAR CHAMBER TYPE, 2; MYL2-Related Familial Hypertrophic Cardiomyopathy. Identifiers: MedGen C1834460, MONDO:0012112, OMIM 608758.

Allele frequency attached by ClinVar (database versions not stated): gnomAD 0.00013 and 0.00014; ESP Exome Variant Server 0.00008; gnomAD exomes 0.00036; TOPMed 0.00017; ExAC 0.00044.
gnomAD v4.1: 98 of 1,613,958 alleles (0.0061%); highest among the groups gnomAD compares: East Asian, 0.17%; 2 homozygotes.

Submission:

Illumina Laboratory Services, Illumina
Classification: Likely benign for Hypertrophic cardiomyopathy 10. Last evaluated: 2018-01-12. Review status: criteria provided, single submitter. Criteria: ICSL Variant Classification Criteria 13 December 2019. Collection method: clinical testing. Allele origin: germline.
Comment: This variant was observed in the ICSL laboratory as part of a predisposition screen in an ostensibly healthy population. It had not been previously curated by ICSL or reported in the Human Gene Mutation Database (HGMD: prior to June 1st, 2018), and was therefore a candidate for classification through an automated scoring system. Utilizing variant allele frequency, disease prevalence and penetrance estimates, and inheritance mode, an automated score was calculated to assess if this variant is too frequent to cause the disease. Based on the score and internal cut-off values, a variant classified as likely benign is not then subjected to further curation. The score for this variant resulted in a classification of likely benign for this disease.

NM_000432.4(MYL2):c.-28C>T

Genes: MYL2 (myosin light chain 2; minus strand), LOC114827850 (VISTA enhancer hs2149; plus strand). Cytogenetic location: 12q24.11.
Variant type: single nucleotide variant.
Coding change: c.-28C>T on transcript NM_000432.4 (MANE Select); 28 bases upstream of the start codon, C replaced by T.
Molecular consequence: 5 prime UTR variant.
Genome position (GRCh38, 1-based): chr12:110,920,557, G>A on the plus strand (C>T on the coding strand, the complement: MYL2 is on the minus strand). VCF-style: chr12-110920557-G-A. GRCh37 (hg19) VCF-style: chr12-111358361-G-A.
Identifiers: ClinVar variation 307218 (VCV000307218.5), dbSNP rs377590769, ClinGen allele CA041414.
Genomic context (GRCh38, chr12:110,920,557, plus strand): 5'-ATCATCACCTCCTGGAGCCCTTGTACTCACCATGGTGGAAAGGACCCAGCACTGCCTCCC[G>A]AGAAGAATTCCACACTCCGCCCAGCTCTCTGCAGCCCAGGAACAATAAATACTTCCTCCC-3'